The following is an entry in ClinVar:

ClinVar aggregate classification (germline): Pathogenic. Review status: criteria provided, multiple submitters, no conflicts (2 of 4 stars). 2 submissions from 2 submitters: Pathogenic (2). Last evaluated 2026-01-13.

Submissions (2):

Dasa
Classification: Pathogenic. Last evaluated: 2026-01-13. Review status: criteria provided, single submitter. Criteria: DASA Assertion Criteria. Collection method: clinical testing. Allele origin: germline.
Comment: NM_001384732.1(CPLANE1):c.2616T>A (p.Tyr872*) introduces a premature termination codon predicted to result in loss of normal protein function. Loss-of-function is an established mechanism of disease for this gene. The variant is present at low frequency in population datasets. Based on the available data, this variant is classified as pathogenic.

Labcorp Genetics (formerly Invitae), Labcorp
Classification: Pathogenic. Last evaluated: 2022-09-07. Review status: criteria provided, single submitter. Criteria: Invitae Variant Classification Sherloc (09022015). Collection method: clinical testing. Allele origin: germline.
Comment: This sequence change creates a premature translational stop signal (p.Tyr872*) in the CPLANE1 gene. It is expected to result in an absent or disrupted protein product. Loss-of-function variants in CPLANE1 are known to be pathogenic (PMID: 24178751, 26092869). For these reasons, this variant has been classified as Pathogenic. Algorithms developed to predict the effect of sequence changes on RNA splicing suggest that this variant may disrupt the consensus splice site. ClinVar contains an entry for this variant (Variation ID: 1440465). This variant has not been reported in the literature in individuals affected with CPLANE1-related conditions. This variant is not present in population databases (gnomAD no frequency).

Literature cited by the submitters: PubMed 24178751 (cited by Labcorp Genetics (formerly Invitae), Labcorp); PubMed 26092869 (cited by Labcorp Genetics (formerly Invitae), Labcorp).

NM_001384732.1(CPLANE1):c.2616T>A (p.Tyr872Ter)

Gene: CPLANE1 (ciliogenesis and planar polarity effector complex subunit 1; minus strand). Cytogenetic location: 5p13.2.
Variant type: single nucleotide variant.
Coding change: c.2616T>A on transcript NM_001384732.1 (MANE Select); coding-DNA position 2616, T replaced by A.
Protein change: p.Tyr872Ter; replaces tyrosine 872 with a stop codon.
Molecular consequence: nonsense.
Genome position (GRCh38, 1-based): chr5:37,221,454, A>T on the plus strand (T>A on the coding strand, the complement: CPLANE1 is on the minus strand). VCF-style: chr5-37221454-A-T. GRCh37 (hg19) VCF-style: chr5-37221556-A-T.
Other names: c.2616T>A, p.Tyr872Ter (NM_023073.4); short protein forms Y872*.
Identifiers: ClinVar variation 1440465 (VCV001440465.7), dbSNP rs2150361736, ClinGen allele CA359489060.